The following is an entry in ClinVar:

NM_153676.4(USH1C):c.2014-1G>A

Gene: USH1C (USH1 protein network component harmonin; minus strand). Cytogenetic location: 11p15.1.
Variant type: single nucleotide variant.
Coding change: c.2014-1G>A on transcript NM_153676.4 (MANE Select); the canonical splice acceptor site of the intron before coding-DNA position 2014, G replaced by A.
Molecular consequence: splice acceptor variant. On other transcripts: intron variant (2).
Genome position (GRCh38, 1-based): chr11:17,505,950, C>T on the plus strand (G>A on the coding strand, the complement: USH1C is on the minus strand). VCF-style: chr11-17505950-C-T. GRCh37 (hg19) VCF-style: chr11-17527497-C-T.
Other names: c.1228-3970G>A (NM_001297764.2); c.1285-3970G>A (NM_005709.4).
Identifiers: ClinVar variation 178566 (VCV000178566.25), dbSNP rs150567427, ClinGen allele CA182572.

ClinVar aggregate classification (germline): Conflicting classifications of pathogenicity. Review status: criteria provided, conflicting classifications (1 of 4 stars). 8 submissions from 7 submitters: Uncertain significance (1); Benign (3); Likely benign (1). 3 of the submissions do not count toward it. Last evaluated 2024-06-24.

Conditions:
Usher syndrome type 1 (USH1). Also called: RETINITIS PIGMENTOSA AND CONGENITAL DEAFNESS. Identifiers: Orphanet 231169, Orphanet 886, MedGen C1568247, MONDO:0010168, OMIM 276900.
Usher syndrome type 1C. Also called: USHER SYNDROME, TYPE I, ACADIAN VARIETY. Identifiers: Orphanet 231169, Orphanet 886, MedGen C1848604, MONDO:0010171, OMIM 276904.
USH1C-related disorder. Also called: USH1C-related condition.

Allele frequency attached by ClinVar (database versions not stated): gnomAD exomes 0.00016 and 0.00042; ExAC 0.00050; ESP Exome Variant Server 0.00169; gnomAD 0.00174 and 0.00183; TOPMed 0.00196; 1000 Genomes Project 30x 0.00297; 1000 Genomes Project 0.00339.

Submissions (8):

Blueprint Genetics
Classification: Likely benign. Last evaluated: 2024-06-24. Review status: criteria provided, single submitter. Criteria: ACMG Guidelines, 2015. Collection method: clinical testing. Allele origin: germline.

Labcorp Genetics (formerly Invitae), Labcorp
Classification: Benign. Last evaluated: 2024-04-16. Review status: criteria provided, single submitter. Criteria: Invitae Variant Classification Sherloc (09022015). Collection method: clinical testing. Allele origin: germline.

GeneDx
Classification: Benign. Last evaluated: 2019-07-26. Review status: criteria provided, single submitter. Criteria: GeneDx Variant Classification Process June 2021. Collection method: clinical testing. Allele origin: germline. Affected: yes.
Comment: Has not been previously reported as pathogenic or benign to our knowledge

Eurofins Ntd Llc (ga)
Classification: Uncertain significance. Last evaluated: 2016-01-20. Review status: criteria provided, single submitter. Criteria: EGL Classification Definitions 2015. Collection method: clinical testing. Allele origin: germline. Observed: 4 variant alleles, 1 heterozygote.

Baylor Genetics
Classification: Benign for Usher syndrome type 1C. Review status: criteria provided, single submitter. Criteria: ACMG Guidelines, 2015. Collection method: clinical testing. Allele origin: unknown.

PreventionGenetics, part of Exact Sciences
Classification: Likely benign for USH1C-related condition. Last evaluated: 2024-09-06. Review status: no assertion criteria provided. Collection method: clinical testing. Allele origin: germline. Not counted in ClinVar's aggregate classification.
Comment: This variant is classified as likely benign based on ACMG/AMP sequence variant interpretation guidelines (Richards et al. 2015 PMID: 25741868, with internal and published modifications).

Laboratory for Molecular Medicine, Mass General Brigham Personalized Medicine
Classification: Uncertain significance. Last evaluated: 2014-04-11. Review status: flagged submission. Criteria: LMM Criteria. Collection method: clinical testing. Allele origin: germline. Observed: 1 variant allele. Not counted in ClinVar's aggregate classification.
Comment: The 2014-1G>A variant in USH1C has not been previously reported in individuals w ith hearing loss. It was identified in 0.5% (22/4400) of African American chromo somes by the NHLBI Exome Sequencing Project and in 1.6% (2/122) of African Ameri can chromosomes by the 1000 Genomes Project (dbSNP rs150567427). Although this variant has been seen in the general populati on, its frequency is not high enough to rule out a pathogenic role. This variant occurs in the invariant region (-1/2) of the 3? splice consensus sequence and c omputational tools suggest an impact to splicing. In summary, while this variant may impact splicing, its frequency in the general population suggests a benign role; therefore, additional information is needed to determine the clinical sign ificance of the 2014-1G>A variant.
ClinVar note: Reason: Older and outlier claim with insufficient supporting evidence

Baylor Genetics
Classification: Pathogenic for Usher syndrome type 1. Review status: flagged submission. Criteria: ACMG Guidelines, 2015. Collection method: clinical testing. Allele origin: germline. Not counted in ClinVar's aggregate classification.
ClinVar note: Reason: New submission from submitter that appears to have been intended to update this older submission